The following is an entry in ClinVar:

ClinVar aggregate classification (germline): Uncertain significance. Review status: criteria provided, multiple submitters, no conflicts (2 of 4 stars). 2 submissions from 2 submitters: Uncertain significance (2). Last evaluated 2024-12-18.

Conditions:
ALG8-related disorder.
Polycystic liver disease 3 with or without kidney cysts. Identifiers: MedGen C4693472, MONDO:0054743, OMIM 617874.
ALG8 congenital disorder of glycosylation. Also called: CONGENITAL DISORDER OF GLYCOSYLATION, TYPE Ih; CDG Ih; ALG8-CDG. Identifiers: Orphanet 79325, MedGen C2931002, MONDO:0011969, OMIM 608104.

gnomAD v4.1: 3 of 1,614,090 alleles (0.00019%); highest among the groups gnomAD compares: Non-Finnish European, 0.00025%; no homozygotes.

Submissions (2):

PreventionGenetics, part of Exact Sciences
Classification: Uncertain significance for ALG8-related condition. Last evaluated: 2024-12-18. Review status: criteria provided, single submitter. Criteria: ACMG Guidelines, 2015. Collection method: clinical testing. Allele origin: germline.
Comment: The ALG8 c.852C>G variant is predicted to result in the amino acid substitution p.Asn284Lys. To our knowledge, this variant has not been reported in the literature. This variant is reported in 0.00088% of alleles in individuals of European (Non-Finnish) descent in gnomAD. At this time, the clinical significance of this variant is uncertain due to the absence of conclusive functional and genetic evidence.

Fulgent Genetics
Classification: Uncertain significance for ALG8 congenital disorder of glycosylation; Polycystic liver disease 3 with or without kidney cysts. Last evaluated: 2024-03-01. Review status: criteria provided, single submitter. Criteria: ACMG Guidelines, 2015. Collection method: clinical testing. Allele origin: germline.

NM_024079.5(ALG8):c.852C>G (p.Asn284Lys)

Gene: ALG8 (ALG8 alpha-1,3-glucosyltransferase; minus strand). Cytogenetic location: 11q14.1.
Variant type: single nucleotide variant.
Coding change: c.852C>G on transcript NM_024079.5 (MANE Select); coding-DNA position 852, C replaced by G.
Protein change: p.Asn284Lys; replaces asparagine 284 with lysine.
Molecular consequence: missense variant. On other transcripts: non-coding transcript variant (2), intron variant (2).
Genome position (GRCh38, 1-based): chr11:78,112,696, G>C on the plus strand (C>G on the coding strand, the complement: ALG8 is on the minus strand). VCF-style: chr11-78112696-G-C. GRCh37 (hg19) VCF-style: chr11-77823742-G-C.
Other names: c.852C>G, p.Asn284Lys (NM_001007027.3, NM_001425221.1, NM_001425222.1 and 8 more transcripts); c.855C>G, p.Asn285Lys (NM_001425219.1); c.837C>G, p.Asn279Lys (NM_001425220.1); c.846C>G, p.Asn282Lys (NM_001425223.1); c.945C>G, p.Asn315Lys (NM_001425224.1); c.699C>G, p.Asn233Lys (NM_001425226.1, NM_001425235.1, NM_001425236.1); c.748C>G, p.Leu250Val (NM_001425238.1); c.588C>G, p.Asn196Lys (NM_001425239.1, NM_001425234.1); and 6 more; short protein forms L250V, N112K, N196K, N279K, N285K, N217K, N282K, N99K.
Identifiers: ClinVar variation 3574047 (VCV003574047.2).